The following is an entry in ClinVar:

ClinVar aggregate classification (germline): Likely pathogenic. Review status: criteria provided, multiple submitters, no conflicts (2 of 4 stars). 2 submissions from 2 submitters: Likely pathogenic (2). Last evaluated 2025-04-07.

Conditions:
Cardiovascular phenotype. Identifiers: MedGen CN230736.
Hereditary cancer-predisposing syndrome. Also called: Hereditary Cancer Syndrome; Hereditary neoplastic syndrome; Neoplastic Syndromes, Hereditary; Tumor predisposition. Identifiers: Orphanet 140162, MedGen C0027672, MeSH D009386, MONDO:0015356.
LZTR1-related disorder. Also called: LZTR1-related disorders; LZTR1-related condition.

gnomAD v4.1: 2 of 1,613,206 alleles (0.00012%); highest among the groups gnomAD compares: African/African-American, 0.0013%; no homozygotes.

Submissions (2):

Ambry Genetics
Classification: Likely pathogenic for Cardiovascular phenotype; Hereditary cancer-predisposing syndrome. Last evaluated: 2025-04-07. Review status: criteria provided, single submitter. Criteria: Ambry Variant Classification Scheme 2023. Collection method: clinical testing. Allele origin: germline.
Comment: The c.1786-1G>A intronic variant results from a G to A substitution one nucleotide upstream from coding exon 16 of the LZTR1 gene. This variant was reported in individual(s) with features consistent with LZTR1-related schwannomatosis (Jordan JT et al. Medicine (Baltimore), 2018 Feb;97:e9717; Ambry internal data). This nucleotide position is highly conserved in available vertebrate species. In silico splice site analysis predicts that this alteration will weaken the native splice acceptor site and will result in the creation or strengthening of a novel splice acceptor site. Alterations that disrupt the canonical splice site are expected to cause aberrant splicing, resulting in an abnormal protein or a transcript that is subject to nonsense-mediated mRNA decay. Loss-of-function variants in LZTR1 are related to an increased risk for schwannomas and autosomal recessive Noonan syndrome; however, such associations with autosomal dominant Noonan syndrome have not been observed (Piotrowski A et al. Nat Genet. 2014 Feb;46:182-7; Yamamoto GL et al. J Med Genet. 2015 Jun;52:413-21; Johnston JJ et al. Genet Med. 2018 10;20:1175-1185). Based on the supporting evidence, this variant is likely pathogenic for an increased risk of LZTR1-related schwannomatosis (SWN) and would be expected to cause autosomal recessive Noonan syndrome when present along with a second pathogenic or likely pathogenic variant on the other allele; however, the association of this alteration with autosomal dominant Noonan syndrome is unlikely.

Blueprint Genetics
Classification: Likely pathogenic for LZTR1-related disorders. Last evaluated: 2023-03-01. Review status: criteria provided, single submitter. Criteria: ACMG Guidelines, 2015. Collection method: clinical testing. Allele origin: germline. Affected: yes. Observed: 1 variant allele.

Literature cited by the submitters: PubMed 29384852 (cited by Ambry Genetics).

NM_006767.4(LZTR1):c.1786-1G>A

Gene: LZTR1 (leucine zipper like post translational regulator 1; plus strand). Cytogenetic location: 22q11.21.
Variant type: single nucleotide variant.
Coding change: c.1786-1G>A on transcript NM_006767.4 (MANE Select); the canonical splice acceptor site of the intron before coding-DNA position 1786, G replaced by A.
Molecular consequence: splice acceptor variant.
Genome position (GRCh38, 1-based): chr22:20,994,869, G>A. VCF-style: chr22-20994869-G-A. GRCh37 (hg19) VCF-style: chr22-21349158-G-A.
Identifiers: ClinVar variation 4029994 (VCV004029994.2).